The following is an entry in ClinVar:

NM_024675.4(PALB2):c.2328C>T (p.Phe776=)

Gene: PALB2 (partner and localizer of BRCA2; minus strand). Cytogenetic location: 16p12.2.
Variant type: single nucleotide variant.
Coding change: c.2328C>T on transcript NM_024675.4 (MANE Select); coding-DNA position 2328, C replaced by T.
Protein change: p.Phe776=; no amino-acid change (phenylalanine 776 retained).
Molecular consequence: synonymous variant.
Genome position (GRCh38, 1-based): chr16:23,629,826, G>A on the plus strand (C>T on the coding strand, the complement: PALB2 is on the minus strand). VCF-style: chr16-23629826-G-A. GRCh37 (hg19) VCF-style: chr16-23641147-G-A.
Identifiers: ClinVar variation 225863 (VCV000225863.35), dbSNP rs45508997, ClinGen allele CA7963592.
Genomic context (GRCh38, chr16:23,629,826, plus strand): 5'-TCCTTGCCTGCCTGACACTTGCAGGGTGGTATGTGGTTTTGCTGGGCTGCCTGAACTGTC[G>A]AATTGTTTAGTATCACTGGCAAGACAGACTGAGTCTTTCAAATGAGCAAGTTGGGGTGTG-3'
Protein context (NP_078951.2, residues 766-786): SVCLASDTKQ[Phe776=]DSSGSPAKPH

ClinVar aggregate classification (germline): Benign/Likely benign. Review status: criteria provided, multiple submitters, no conflicts (2 of 4 stars). 13 submissions from 13 submitters: Benign (1); Likely benign (10). 2 of the submissions do not count toward it. Last evaluated 2026-01-16.

Conditions:
Breast-ovarian cancer, familial, susceptibility to, 5 (BROVCA5). Identifiers: MedGen C5830615, MONDO:0957530, OMIM 620442.
Hereditary cancer-predisposing syndrome. Also called: Neoplastic Syndromes, Hereditary; Hereditary Cancer Syndrome; Tumor predisposition; Hereditary neoplastic syndrome. Identifiers: Orphanet 140162, MedGen C0027672, MeSH D009386, MONDO:0015356.
Familial cancer of breast. Also called: Hereditary breast cancer; hereditary breast carcinoma; BREAST CANCER, FAMILIAL. Identifiers: Orphanet 227535, MedGen C0346153, MONDO:0016419, OMIM 114480. Disease mechanism: loss of function.

Allele frequency attached by ClinVar (database versions not stated): gnomAD 0.00001; ExAC 0.00002; gnomAD exomes 0.00002; TOPMed 0.00004; ESP Exome Variant Server 0.00008.
gnomAD v4.1: 24 of 1,614,044 alleles (0.0015%); highest among the groups gnomAD compares: South Asian, 0.0088%; no homozygotes.

Submissions (13):

Labcorp Genetics (formerly Invitae), Labcorp
Classification: Likely benign for Familial cancer of breast. Last evaluated: 2026-01-16. Review status: criteria provided, single submitter. Criteria: Invitae Variant Classification Sherloc (09022015). Collection method: clinical testing. Allele origin: germline.

CeGaT Center for Human Genetics Tuebingen
Classification: Likely benign. Last evaluated: 2026-01-01. Review status: criteria provided, single submitter. Criteria: CeGaT Center For Human Genetics Tuebingen Variant Classification Criteria Version 2. Collection method: clinical testing. Allele origin: germline. Affected: yes. Observed: 3 variant alleles.
Comment: PALB2: BP4, BP7

Women's Health and Genetics/Laboratory Corporation of America, LabCorp
Classification: Likely benign. Last evaluated: 2025-10-31. Review status: criteria provided, single submitter. Criteria: LabCorp Variant Classification Summary - May 2015. Collection method: clinical testing. Allele origin: germline.

Quest Diagnostics Nichols Institute San Juan Capistrano
Classification: Likely benign. Last evaluated: 2025-04-21. Review status: criteria provided, single submitter. Criteria: Quest Diagnostics criteria. Collection method: clinical testing. Allele origin: unknown.

Myriad Genetics, Inc.
Classification: Benign for Familial cancer of breast. Last evaluated: 2025-01-16. Review status: criteria provided, single submitter. Criteria: Myriad Autosomal Dominant, Autosomal Recessive and X-Linked Classification Criteria (2023). Collection method: clinical testing. Allele origin: unknown.
Comment: This variant is considered benign. This variant is a silent/synonymous amino acid change and it is not expected to impact splicing.

KCCC/NGS Laboratory, Kuwait Cancer Control Center
Classification: Likely benign for Breast-ovarian cancer, familial, susceptibility to, 5. Last evaluated: 2023-07-07. Review status: criteria provided, single submitter. Criteria: ACMG Guidelines, 2015. Collection method: clinical testing. Allele origin: germline. Affected: yes.

Sema4
Classification: Likely benign for Hereditary cancer-predisposing syndrome. Last evaluated: 2021-06-16. Review status: criteria provided, single submitter. Criteria: Sema4 Curation Guidelines. Collection method: curation. Allele origin: germline.

Color Diagnostics, LLC DBA Color Health
Classification: Likely benign for Hereditary cancer-predisposing syndrome. Last evaluated: 2016-11-15. Review status: criteria provided, single submitter. Criteria: ACMG Guidelines, 2015. Collection method: clinical testing. Allele origin: germline.

GeneDx
Classification: Likely benign. Last evaluated: 2016-04-27. Review status: criteria provided, single submitter. Criteria: GeneDx Variant Classification (06012015). Collection method: clinical testing. Allele origin: germline. Affected: yes.
Comment: This variant is considered likely benign or benign based on one or more of the following criteria: it is a conservative change, it occurs at a poorly conserved position in the protein, it is predicted to be benign by multiple in silico algorithms, and/or has population frequency not consistent with disease.

Cancer Genetics Laboratory, Peter MacCallum Cancer Centre
Classification: Likely benign for Familial cancer of breast. Last evaluated: 2015-06-01. Review status: criteria provided, single submitter. Criteria: Thompson et al. (Breast Cancer Res. 2015). Collection method: case-control. Allele origin: germline. Affected: yes. Observed: 1 variant allele, 1 heterozygote.

Ambry Genetics
Classification: Likely benign for Hereditary cancer-predisposing syndrome. Last evaluated: 2015-03-23. Review status: criteria provided, single submitter. Criteria: Ambry Variant Classification Scheme 2023. Collection method: clinical testing. Allele origin: germline.

Clinical Genetics DNA and cytogenetics Diagnostics Lab, Erasmus MC, Erasmus Medical Center
Classification: Likely benign. Review status: no assertion criteria provided. Collection method: clinical testing. Allele origin: germline. Affected: yes. Study: VKGL Data-share Consensus. Not counted in ClinVar's aggregate classification.

Joint Genome Diagnostic Labs from Nijmegen and Maastricht, Radboudumc and MUMC+
Classification: Likely benign. Review status: no assertion criteria provided. Collection method: clinical testing. Allele origin: germline. Affected: yes. Study: VKGL Data-share Consensus. Not counted in ClinVar's aggregate classification.

Literature cited by the submitters: PubMed 26283626 (cited by Quest Diagnostics Nichols Institute San Juan Capistrano).